The following is an entry in ClinVar:

ClinVar aggregate classification (germline): Pathogenic (1 of 4 stars; one submission).

Conditions:
Ataxia-telangiectasia syndrome (AT). Also called: LOUIS-BAR SYNDROME; Cerebello-oculocutaneous telangiectasia; Immunodeficiency with ataxia telangiectasia; ATAXIA-TELANGIECTASIA, COMPLEMENTATION GROUP A; ATAXIA-TELANGIECTASIA, FRESNO VARIANT; Ataxia-telangiectasia, complementation group D. Identifiers: Orphanet 100, MedGen C0004135, MONDO:0008840, OMIM 208900.

Submission:

Labcorp Genetics (formerly Invitae), Labcorp
Classification: Pathogenic for Ataxia-telangiectasia syndrome. Last evaluated: 2022-01-17. Review status: criteria provided, single submitter. Criteria: Invitae Variant Classification Sherloc (09022015). Collection method: clinical testing. Allele origin: germline.
Comment: This variant disrupts a region of the ATM protein in which other variant(s) (p.Ala1942Val) have been determined to be pathogenic (PMID: 22649200, 24090759; Invitae). This suggests that this is a clinically significant region of the protein, and that variants that disrupt it are likely to be disease-causing. Experimental studies and prediction algorithms are not available or were not evaluated, and the functional significance of this variant is currently unknown. This variant has not been reported in the literature in individuals affected with ATM-related conditions. This variant is a gross deletion of the genomic region encompassing exon(s) 39 of the ATM gene. This variant would be expected to be in-frame, preserving the integrity of the reading frame. For these reasons, this variant has been classified as Pathogenic.

Literature cited by the submitters: PubMed 22649200; PubMed 24090759.

NC_000011.9:g.(?_108180877)_(108181052_?)del

Gene: ATM (ATM serine/threonine kinase; plus strand). Cytogenetic location: 11q22.3.
Variant type: Deletion.
Identifiers: ClinVar variation 1417792 (VCV001417792.5).